The following is an entry in ClinVar:

ClinVar aggregate classification (germline): Pathogenic (1 of 4 stars; one submission).

Conditions:
Early-infantile DEE. Also called: Ohtahara syndrome; Early infantile epileptic encephalopathy with suppression bursts; Early infantile epileptic encephalopathy. Identifiers: Orphanet 1934, MedGen C0393706, MONDO:0800491.

Submission:

Labcorp Genetics (formerly Invitae), Labcorp
Classification: Pathogenic for Early-infantile DEE. Last evaluated: 2023-10-13. Review status: criteria provided, single submitter. Criteria: Invitae Variant Classification Sherloc (09022015). Collection method: clinical testing. Allele origin: germline.
Comment: This sequence change replaces phenylalanine, which is neutral and non-polar, with leucine, which is neutral and non-polar, at codon 995 of the SCN1A protein (p.Phe995Leu). This variant is not present in population databases (gnomAD no frequency). This missense change has been observed in individual(s) with Dravet syndrome (PMID: 28012175, 30182498). In at least one individual the variant was observed to be de novo. ClinVar contains an entry for this variant (Variation ID: 967462). Advanced modeling of protein sequence and biophysical properties (such as structural, functional, and spatial information, amino acid conservation, physicochemical variation, residue mobility, and thermodynamic stability) performed at Invitae indicates that this missense variant is expected to disrupt SCN1A protein function. For these reasons, this variant has been classified as Pathogenic.

Literature cited by the submitters: PubMed 28012175; PubMed 30182498.

NM_001165963.4(SCN1A):c.2983T>C (p.Phe995Leu)

Gene: SCN1A (sodium voltage-gated channel alpha subunit 1; minus strand). Cytogenetic location: 2q24.3.
Variant type: single nucleotide variant.
Coding change: c.2983T>C on transcript NM_001165963.4 (MANE Select); coding-DNA position 2983, T replaced by C.
Protein change: p.Phe995Leu; replaces phenylalanine 995 with leucine.
Molecular consequence: missense variant. On other transcripts: non-coding transcript variant (1).
Genome position (GRCh38, 1-based): chr2:166,036,494, A>G on the plus strand (T>C on the coding strand, the complement: SCN1A is on the minus strand). VCF-style: chr2-166036494-A-G. GRCh37 (hg19) VCF-style: chr2-166893004-A-G.
Other names: c.2899T>C, p.Phe967Leu (NM_001165964.3, NM_001353957.2, NM_001353958.2); c.2983T>C, p.Phe995Leu (NM_001202435.3, NM_001353948.2); c.2950T>C, p.Phe984Leu (NM_001353949.2, NM_001353950.2, NM_001353951.2 and 2 more transcripts); c.2947T>C, p.Phe983Leu (NM_001353954.2, NM_001353955.2); c.2896T>C, p.Phe966Leu (NM_001353960.2); c.541T>C, p.Phe181Leu (NM_001353961.2); short protein forms F966L, F181L, F967L, F983L, F984L, F995L.
Identifiers: ClinVar variation 967462 (VCV000967462.10), dbSNP rs1696398838, ClinGen allele CA349060540.